The following is an entry in ClinVar:

ClinVar aggregate classification (germline): Benign/Likely benign. Review status: criteria provided, multiple submitters, no conflicts (2 of 4 stars). 3 submissions from 3 submitters: Benign (2); Likely benign (1). Last evaluated 2022-04-01.

Allele frequency attached by ClinVar (database versions not stated): 1000 Genomes Project 0.00080; 1000 Genomes Project 30x 0.00094; gnomAD 0.00251 and 0.00277; ESP Exome Variant Server 0.00261; gnomAD exomes 0.00363 and 0.00298; TOPMed 0.00292; ExAC 0.00328.
gnomAD v4.1: 5,686 of 1,610,190 alleles (0.35%); highest among the groups gnomAD compares: Non-Finnish European, 0.42%; 10 homozygotes.

Submissions (3):

CeGaT Center for Human Genetics Tuebingen
Classification: Likely benign. Last evaluated: 2022-04-01. Review status: criteria provided, single submitter. Criteria: CeGaT Center For Human Genetics Tuebingen Variant Classification Criteria Version 2. Collection method: clinical testing. Allele origin: germline. Affected: yes. Observed: 1 variant allele.
Comment: HSP90AA1: BP4, BP7

Labcorp Genetics (formerly Invitae), Labcorp
Classification: Benign. Last evaluated: 2018-08-29. Review status: criteria provided, single submitter. Criteria: Invitae Variant Classification Sherloc (09022015). Collection method: clinical testing. Allele origin: germline.

Breakthrough Genomics
Classification: Benign. Review status: criteria provided, single submitter. Criteria: ACMG Guidelines, 2015. Collection method: not provided. Allele origin: germline. Inheritance: Unknown mechanism. Affected: yes.

NM_005348.4(HSP90AA1):c.2079A>G (p.Lys693=)

Gene: HSP90AA1 (heat shock protein 90 alpha family class A member 1; minus strand). Cytogenetic location: 14q32.31.
Variant type: single nucleotide variant.
Coding change: c.2079A>G on transcript NM_005348.4 (MANE Select); coding-DNA position 2079, A replaced by G.
Protein change: p.Lys693=; no amino-acid change (lysine 693 retained).
Molecular consequence: synonymous variant.
Genome position (GRCh38, 1-based): chr14:102,082,121, T>C on the plus strand (A>G on the coding strand, the complement: HSP90AA1 is on the minus strand). VCF-style: chr14-102082121-T-C. GRCh37 (hg19) VCF-style: chr14-102548458-T-C.
Other names: c.2445A>G, p.Lys815= (NM_001017963.3).
Identifiers: ClinVar variation 782308 (VCV000782308.28), dbSNP rs11547524, ClinGen allele CA7354480.